The following is an entry in ClinVar:

NM_001112741.2(KCNC1):c.486T>G (p.Asp162Glu)

Gene: KCNC1 (potassium voltage-gated channel subfamily C member 1; plus strand). Cytogenetic location: 11p15.1.
Variant type: single nucleotide variant.
Coding change: c.486T>G on transcript NM_001112741.2 (MANE Select); coding-DNA position 486, T replaced by G.
Protein change: p.Asp162Glu; replaces aspartic acid 162 with glutamic acid.
Molecular consequence: missense variant.
Genome position (GRCh38, 1-based): chr11:17,736,488, T>G. VCF-style: chr11-17736488-T-G. GRCh37 (hg19) VCF-style: chr11-17758035-T-G.
Other names: c.486T>G, p.Asp162Glu (NM_004976.4); short protein forms D162E.
Identifiers: ClinVar variation 2987166 (VCV002987166.3), dbSNP rs1436435735, ClinGen allele CA379801755.

ClinVar aggregate classification (germline): Uncertain significance (1 of 4 stars; one submission).

Conditions:
Progressive myoclonic epilepsy type 7. Identifiers: Orphanet 435438, MedGen C4015420, MONDO:0014521, OMIM 616187.

Allele frequency attached by ClinVar (database versions not stated): gnomAD exomes below 0.00001; TOPMed 0.00002.

Submission:

Labcorp Genetics (formerly Invitae), Labcorp
Classification: Uncertain significance for Progressive myoclonic epilepsy type 7. Last evaluated: 2023-11-04. Review status: criteria provided, single submitter. Criteria: Invitae Variant Classification Sherloc (09022015). Collection method: clinical testing. Allele origin: germline.
Comment: This sequence change replaces aspartic acid, which is acidic and polar, with glutamic acid, which is acidic and polar, at codon 162 of the KCNC1 protein (p.Asp162Glu). This variant is present in population databases (no rsID available, gnomAD 0.003%). This variant has not been reported in the literature in individuals affected with KCNC1-related conditions. Advanced modeling of protein sequence and biophysical properties (such as structural, functional, and spatial information, amino acid conservation, physicochemical variation, residue mobility, and thermodynamic stability) performed at Invitae indicates that this missense variant is not expected to disrupt KCNC1 protein function with a negative predictive value of 80%. In summary, the available evidence is currently insufficient to determine the role of this variant in disease. Therefore, it has been classified as a Variant of Uncertain Significance.